The following is an entry in ClinVar:

NM_001130438.3(SPTAN1):c.6228C>G (p.Asn2076Lys)

Gene: SPTAN1 (spectrin alpha, non-erythrocytic 1; plus strand). Cytogenetic location: 9q34.11.
Variant type: single nucleotide variant.
Coding change: c.6228C>G on transcript NM_001130438.3 (MANE Select); coding-DNA position 6228, C replaced by G.
Protein change: p.Asn2076Lys; replaces asparagine 2076 with lysine.
Molecular consequence: missense variant.
Genome position (GRCh38, 1-based): chr9:128,625,927, C>G. VCF-style: chr9-128625927-C-G. GRCh37 (hg19) VCF-style: chr9-131388206-C-G.
Other names: c.6153C>G, p.Asn2051Lys (NM_001195532.2); c.6228C>G, p.Asn2076Lys (NM_001363759.2, NM_001375310.1, NM_001375311.2 and 1 more transcripts); c.6168C>G, p.Asn2056Lys (NM_001363765.2, NM_001375314.2); c.6264C>G, p.Asn2088Lys (NM_001375312.2, NM_001375318.1); c.6213C>G, p.Asn2071Lys (NM_003127.4); c.6228C>G (NM_001130438.2); short protein forms N2051K, N2076K, N2071K, N2088K, N2056K.
Identifiers: ClinVar variation 1503463 (VCV001503463.10), dbSNP rs752560514, ClinGen allele CA5265664.
Genomic context (GRCh38, chr9:128,625,927, plus strand): 5'-CAAGGCCATCGAGGCCCGGCACGCCTCCCTCATGAAGAGGTGGAGCCAGCTTCTGGCCAA[C>G]TCAGCCGCCCGCAAGAAGAAGCTTCTGGAGGCTCAGAGTCACTTCCGCAAGGTGAGGATG-3'
Protein context (NP_001123910.1, residues 2066-2086): LMKRWSQLLA[Asn2076Lys]SAARKKKLLE

ClinVar aggregate classification (germline): Uncertain significance. Review status: criteria provided, multiple submitters, no conflicts (2 of 4 stars). 2 submissions from 2 submitters: Uncertain significance (2). Last evaluated 2023-01-25.

Conditions:
Early-infantile DEE. Also called: Early infantile epileptic encephalopathy; Early infantile epileptic encephalopathy with suppression bursts; Ohtahara syndrome. Identifiers: Orphanet 1934, MedGen C0393706, MONDO:0800491.

Allele frequency attached by ClinVar (database versions not stated): TOPMed 0.00001; ExAC 0.00001; gnomAD 0.00001.
gnomAD v4.1: 1 of 1,614,236 alleles (0.000062%); highest among the groups gnomAD compares: East Asian, 0.0022%; no homozygotes.

Submissions (2):

GeneDx
Classification: Uncertain significance. Last evaluated: 2023-01-25. Review status: criteria provided, single submitter. Criteria: GeneDx Variant Classification Process June 2021. Collection method: clinical testing. Allele origin: germline. Affected: yes.
Comment: Not observed at significant frequency in large population cohorts (gnomAD); In silico analysis supports that this missense variant does not alter protein structure/function; Has not been previously published as pathogenic or benign to our knowledge

Labcorp Genetics (formerly Invitae), Labcorp
Classification: Uncertain significance for Early-infantile DEE. Last evaluated: 2022-09-06. Review status: criteria provided, single submitter. Criteria: Invitae Variant Classification Sherloc (09022015). Collection method: clinical testing. Allele origin: germline.
Comment: In summary, the available evidence is currently insufficient to determine the role of this variant in disease. Therefore, it has been classified as a Variant of Uncertain Significance. Algorithms developed to predict the effect of missense changes on protein structure and function are either unavailable or do not agree on the potential impact of this missense change (SIFT: "Tolerated"; PolyPhen-2: "Possibly Damaging"; Align-GVGD: "Class C0"). ClinVar contains an entry for this variant (Variation ID: 1503463). This variant has not been reported in the literature in individuals affected with SPTAN1-related conditions. This variant is not present in population databases (gnomAD no frequency). This sequence change replaces asparagine, which is neutral and polar, with lysine, which is basic and polar, at codon 2076 of the SPTAN1 protein (p.Asn2076Lys).